The following is an entry in ClinVar:

ClinVar aggregate classification (germline): Likely benign. Review status: criteria provided, multiple submitters, no conflicts (2 of 4 stars). 3 submissions from 3 submitters: Likely benign (2). 1 of the submissions does not count toward it. Last evaluated 2026-01-28.

Conditions:
WAS-related disorder. Also called: WAS-Related Disorders; WAS-related condition. Identifiers: MedGen CN381538.
X-linked severe congenital neutropenia (SCNX). Identifiers: Orphanet 86788, MedGen C1845987, MONDO:0010294, OMIM 300299.
Thrombocytopenia 1. Also called: X-Linked Thrombocytopenia (XLT); THROMBOCYTOPENIA, X-LINKED, 1; X-linked thrombocytopenia with normal platelets. Identifiers: Orphanet 268322, Orphanet 852, MedGen C1839163, MONDO:0010743, OMIM 313900.
Wiskott-Aldrich syndrome (WAS). Also called: Wiskott-aldrich syndrome, somatic; ALDRICH SYNDROME; IMMUNODEFICIENCY 2; WISKOTT-ALDRICH SYNDROME 1. Identifiers: Orphanet 906, MedGen C0043194, MONDO:0010518, OMIM 301000.

Allele frequency attached by ClinVar (database versions not stated): gnomAD exomes 0.00011 and 0.00014; gnomAD 0.00028; ExAC 0.00029; 1000 Genomes Project 30x 0.00166; 1000 Genomes Project 0.00371.

Submissions (3):

Labcorp Genetics (formerly Invitae), Labcorp
Classification: Likely benign for Wiskott-Aldrich syndrome; X-linked severe congenital neutropenia; Thrombocytopenia 1. Last evaluated: 2026-01-28. Review status: criteria provided, single submitter. Criteria: Invitae Variant Classification Sherloc (09022015). Collection method: clinical testing. Allele origin: germline.

Fulgent Genetics
Classification: Likely benign for X-linked severe congenital neutropenia; Wiskott-Aldrich syndrome; Thrombocytopenia 1. Last evaluated: 2022-05-24. Review status: criteria provided, single submitter. Criteria: ACMG Guidelines, 2015. Collection method: clinical testing. Allele origin: unknown.

PreventionGenetics, part of Exact Sciences
Classification: Likely benign for WAS-related condition. Last evaluated: 2024-02-05. Review status: no assertion criteria provided. Collection method: clinical testing. Allele origin: germline. Not counted in ClinVar's aggregate classification.
Comment: This variant is classified as likely benign based on ACMG/AMP sequence variant interpretation guidelines (Richards et al. 2015 PMID: 25741868, with internal and published modifications).

NM_000377.3(WAS):c.1110A>C (p.Pro370=)

Gene: WAS (WASP actin nucleation promoting factor; plus strand). Cytogenetic location: Xp11.23.
Variant type: single nucleotide variant.
Coding change: c.1110A>C on transcript NM_000377.3 (MANE Select); coding-DNA position 1110, A replaced by C.
Protein change: p.Pro370=; no amino-acid change (proline 370 retained).
Molecular consequence: synonymous variant.
Genome position (GRCh38, 1-based): chrX:48,688,838, A>C. VCF-style: chrX-48688838-A-C. GRCh37 (hg19) VCF-style: chrX-48547227-A-C.
Identifiers: ClinVar variation 695313 (VCV000695313.11), dbSNP rs782244198, ClinGen allele CA10404037.
Genomic context (GRCh38, chrX:48,688,838, plus strand): 5'-CCCACCCCCACCAACACCCCGGGGACCCCCACCCCCAGGCCGAGGGGGCCCTCCACCACC[A>C]CCCCCTCCAGCTACTGGACGTTCTGGACCACTGCCCCCTCCACCCCCTGGAGCTGGTGGG-3'
Protein context (NP_000368.1, residues 360-380): PPPGRGGPPP[Pro370=]PPPATGRSGP